The following is an entry in ClinVar:

ClinVar aggregate classification (germline): Likely benign (1 of 4 stars; one submission).

gnomAD v4.1: 31 of 1,610,070 alleles (0.0019%); highest among the groups gnomAD compares: Admixed American, 0.0067%; no homozygotes.

Submission:

CeGaT Center for Human Genetics Tuebingen
Classification: Likely benign. Last evaluated: 2026-06-01. Review status: criteria provided, single submitter. Criteria: CeGaT Center For Human Genetics Tuebingen Variant Classification Criteria Version 2. Collection method: clinical testing. Allele origin: germline. Affected: yes. Observed: 1 variant allele.
Comment: MED16: BP4, BP7

NM_005481.3(MED16):c.1662C>T (p.Ile554=)

Gene: MED16 (mediator complex subunit 16; minus strand). Cytogenetic location: 19p13.3.
Variant type: single nucleotide variant.
Coding change: c.1662C>T on transcript NM_005481.3 (MANE Select); coding-DNA position 1662, C replaced by T.
Protein change: p.Ile554=; no amino-acid change (isoleucine 554 retained).
Molecular consequence: synonymous variant.
Genome position (GRCh38, 1-based): chr19:875,353, G>A on the plus strand (C>T on the coding strand, the complement: MED16 is on the minus strand). VCF-style: chr19-875353-G-A. GRCh37 (hg19) VCF-style: chr19-875353-G-A.
Identifiers: ClinVar variation 4873522 (VCV004873522.2).
Genomic context (GRCh38, chr19:875,353, plus strand): 5'-CTTGTCAGGCGTGTTGAGAAAGTGGGGGCGCAGCAGCGACTTCAGGGTGGAGCTGATGGC[G>A]ATGAGGAAGAGCTTGGTGTGGTAGTCGCACACGCGGGTCACCGTGCAGGGCGACAGCTTG-3'
Protein context (NP_005472.2, residues 544-564): VCDYHTKLFL[Ile554=]AISSTLKSLL